The following is an entry in ClinVar:

ClinVar aggregate classification (germline): Uncertain significance (1 of 4 stars; one submission).

Conditions:
Inborn genetic diseases. Identifiers: MedGen C0950123, MeSH D030342.

Submission:

Ambry Genetics
Classification: Uncertain significance for Inborn genetic diseases. Last evaluated: 2025-11-05. Review status: criteria provided, single submitter. Criteria: Ambry Variant Classification Scheme 2023. Collection method: clinical testing. Allele origin: germline.
Comment: The p.R25P variant (also known as c.74G>C), located in coding exon 1 of the MBD4 gene, results from a G to C substitution at nucleotide position 74. The arginine at codon 25 is replaced by proline, an amino acid with dissimilar properties. This amino acid position is conserved. In addition, this alteration is predicted to be tolerated by in silico analysis. Based on the available evidence, the clinical significance of this variant remains unclear.

NM_001276270.2(MBD4):c.74G>C (p.Arg25Pro)

Gene: MBD4 (methyl-CpG binding domain 4, DNA glycosylase; minus strand). Cytogenetic location: 3q21.3.
Variant type: single nucleotide variant.
Coding change: c.74G>C on transcript NM_001276270.2 (MANE Select); coding-DNA position 74, G replaced by C.
Protein change: p.Arg25Pro; replaces arginine 25 with proline.
Molecular consequence: missense variant.
Genome position (GRCh38, 1-based): chr3:129,439,760, C>G on the plus strand (G>C on the coding strand, the complement: MBD4 is on the minus strand). VCF-style: chr3-129439760-C-G. GRCh37 (hg19) VCF-style: chr3-129158603-C-G.
Other names: c.74G>C, p.Arg25Pro (NM_003925.3, NM_001276271.2, NM_001276272.2 and 1 more transcripts); short protein forms R25P.
Identifiers: ClinVar variation 4624415 (VCV004624415.1).